The following is an entry in ClinVar:

NM_006073.4(TRDN):c.1990G>A (p.Val664Ile)

Gene: TRDN (triadin; minus strand). Cytogenetic location: 6q22.31.
Variant type: single nucleotide variant.
Coding change: c.1990G>A on transcript NM_006073.4 (MANE Select); coding-DNA position 1990, G replaced by A.
Protein change: p.Val664Ile; replaces valine 664 with isoleucine.
Molecular consequence: missense variant.
Genome position (GRCh38, 1-based): chr6:123,224,117, C>T on the plus strand (G>A on the coding strand, the complement: TRDN is on the minus strand). VCF-style: chr6-123224117-C-T. GRCh37 (hg19) VCF-style: chr6-123545262-C-T.
Other names: c.1990G>A (NM_006073.2); short protein forms V664I.
Identifiers: ClinVar variation 994234 (VCV000994234.16), dbSNP rs756257644, ClinGen allele CA3983646.

ClinVar aggregate classification (germline): Conflicting classifications of pathogenicity. Review status: criteria provided, conflicting classifications (1 of 4 stars). 3 submissions from 3 submitters: Uncertain significance (2); Likely benign (1). Last evaluated 2026-05-13.

Conditions:
Cardiovascular phenotype. Identifiers: MedGen CN230736.
Catecholaminergic polymorphic ventricular tachycardia 5 (CARDAR). Also called: Ventricular tachycardia, catecholaminergic polymorphic, 5, with or without muscle weakness; CARDIAC ARRHYTHMIA SYNDROME, WITH OR WITHOUT SKELETAL MUSCLE WEAKNESS. Identifiers: Orphanet 3286, MedGen C3809536, MONDO:0014191, OMIM 615441.
Catecholaminergic polymorphic ventricular tachycardia 1. Also called: VENTRICULAR TACHYCARDIA, STRESS-INDUCED POLYMORPHIC 1; VENTRICULAR TACHYCARDIA, CATECHOLAMINERGIC POLYMORPHIC, 1, WITH OR WITHOUT ATRIAL DYSFUNCTION AND/OR DILATED CARDIOMYOPATHY; RYR2-Related Catecholaminergic Polymorphic Ventricular Tachycardia. Identifiers: Orphanet 3286, MedGen C1631597, MONDO:0011484, OMIM 604772.

Allele frequency attached by ClinVar (database versions not stated): gnomAD exomes 0.00003 and 0.00001; gnomAD 0.00002; TOPMed below 0.00001; ExAC 0.00001.
gnomAD v4.1: 47 of 1,610,104 alleles (0.0029%); highest among the groups gnomAD compares: Non-Finnish European, 0.0038%; no homozygotes.

Submissions (3):

Ambry Genetics
Classification: Likely benign for Cardiovascular phenotype. Last evaluated: 2026-05-13. Review status: criteria provided, single submitter. Criteria: Ambry Variant Classification Scheme 2023. Collection method: clinical testing. Allele origin: germline.

Labcorp Genetics (formerly Invitae), Labcorp
Classification: Uncertain significance for Catecholaminergic polymorphic ventricular tachycardia 1. Last evaluated: 2022-06-08. Review status: criteria provided, single submitter. Criteria: Invitae Variant Classification Sherloc (09022015). Collection method: clinical testing. Allele origin: germline.
Comment: This sequence change replaces valine, which is neutral and non-polar, with isoleucine, which is neutral and non-polar, at codon 664 of the TRDN protein (p.Val664Ile). This variant is present in population databases (rs756257644, gnomAD 0.004%). This variant has not been reported in the literature in individuals affected with TRDN-related conditions. ClinVar contains an entry for this variant (Variation ID: 994234). Algorithms developed to predict the effect of missense changes on protein structure and function (SIFT, PolyPhen-2, Align-GVGD) all suggest that this variant is likely to be tolerated. In summary, the available evidence is currently insufficient to determine the role of this variant in disease. Therefore, it has been classified as a Variant of Uncertain Significance.

ARUP Laboratories, Molecular Genetics and Genomics, ARUP Laboratories
Classification: Uncertain significance for Catecholaminergic polymorphic ventricular tachycardia 5. Last evaluated: 2020-01-28. Review status: criteria provided, single submitter. Criteria: ARUP Molecular Germline Variant Investigation Process. Collection method: clinical testing. Allele origin: germline.
Comment: The TRDN c.1990G>A; p.Val664Ile variant (rs756257644), to our knowledge, is not reported in the medical literature or gene specific databases. This variant is only observed on five alleles in the Genome Aggregation Database, indicating it is not a common polymorphism. The valine at codon 664 is weakly conserved, and computational analyses (SIFT: damaging, PolyPhen-2: benign) predict conflicting effects of this variant on protein structure/function. Due to limited information, the clinical significance of the p.Val664Ile variant is uncertain at this time.